The following is an entry in ClinVar:

NM_006904.7(PRKDC):c.1777-29A>G

Gene: PRKDC (protein kinase, DNA-activated, catalytic subunit; minus strand). Cytogenetic location: 8q11.21.
Variant type: single nucleotide variant.
Coding change: c.1777-29A>G on transcript NM_006904.7 (MANE Select); 29 bases into the intron before coding-DNA position 1777, A replaced by G.
Molecular consequence: intron variant.
Genome position (GRCh38, 1-based): chr8:47,930,816, T>C on the plus strand (A>G on the coding strand, the complement: PRKDC is on the minus strand). VCF-style: chr8-47930816-T-C. GRCh37 (hg19) VCF-style: chr8-48843376-T-C.
Other names: c.1777-29A>G (NM_001081640.2).
Identifiers: ClinVar variation 3388159 (VCV003388159.14).
Genomic context (GRCh38, chr8:47,930,816, plus strand): 5'-ATCATCCAAACACCAGGCGCCTCATCTCCATTCTTAAAGAGTAATTGTAGCAAAGAAACA[T>C]TGTACCATTCAATCACGAATCACTCAACAAATAACTTTCCAACTGACTTCATGGTCAAGG-3'

ClinVar aggregate classification (germline): Likely benign (1 of 4 stars; one submission).

gnomAD v4.1: 6,253 of 1,527,990 alleles (0.41%); highest among the groups gnomAD compares: Non-Finnish European, 0.49%; 21 homozygotes.

Submission:

CeGaT Center for Human Genetics Tuebingen
Classification: Likely benign. Last evaluated: 2026-05-01. Review status: criteria provided, single submitter. Criteria: CeGaT Center For Human Genetics Tuebingen Variant Classification Criteria Version 2. Collection method: clinical testing. Allele origin: germline. Affected: yes. Observed: 4 variant alleles.
Comment: PRKDC: BS2